The following is an entry in ClinVar:

ClinVar aggregate classification (germline): Uncertain significance. Review status: criteria provided, multiple submitters, no conflicts (2 of 4 stars). 2 submissions from 2 submitters: Uncertain significance (2). Last evaluated 2026-03-27.

Conditions:
Cardiovascular phenotype. Identifiers: MedGen CN230736.
Distal myopathy with posterior leg and anterior hand involvement. Also called: WILLIAMS DISTAL MYOPATHY. Identifiers: Orphanet 63273, MedGen C3279722, MONDO:0013550, OMIM 614065.
Hypertrophic cardiomyopathy 26. Also called: Cardiomyopathy, familial hypertrophic, 26. Identifiers: Orphanet 75249, MedGen C4310749, MONDO:0014883, OMIM 617047.
Myofibrillar myopathy 5. Also called: Filaminopathy (type); FILAMINOPATHY, AUTOSOMAL DOMINANT. Identifiers: Orphanet 171445, MedGen C1836050, MONDO:0012289, OMIM 609524.

Submissions (2):

Ambry Genetics
Classification: Uncertain significance for Cardiovascular phenotype. Last evaluated: 2026-03-27. Review status: criteria provided, single submitter. Criteria: Ambry Variant Classification Scheme 2023. Collection method: clinical testing. Allele origin: germline.

Labcorp Genetics (formerly Invitae), Labcorp
Classification: Uncertain significance for Distal myopathy with posterior leg and anterior hand involvement; Myofibrillar myopathy 5; Hypertrophic cardiomyopathy 26. Last evaluated: 2025-06-15. Review status: criteria provided, single submitter. Criteria: Invitae Variant Classification Sherloc (09022015). Collection method: clinical testing. Allele origin: germline.
Comment: This sequence change replaces threonine, which is neutral and polar, with serine, which is neutral and polar, at codon 828 of the FLNC protein (p.Thr828Ser). This variant is not present in population databases (gnomAD no frequency). This variant has not been reported in the literature in individuals affected with FLNC-related conditions. Invitae Evidence Modeling of protein sequence and biophysical properties (such as structural, functional, and spatial information, amino acid conservation, physicochemical variation, residue mobility, and thermodynamic stability) has been performed for this missense variant. However, the output from this modeling did not meet the statistical confidence thresholds required to predict the impact of this variant on FLNC protein function. In summary, the available evidence is currently insufficient to determine the role of this variant in disease. Therefore, it has been classified as a Variant of Uncertain Significance.

NM_001458.5(FLNC):c.2483C>G (p.Thr828Ser)

Gene: FLNC (filamin C; plus strand). Cytogenetic location: 7q32.1.
Variant type: single nucleotide variant.
Coding change: c.2483C>G on transcript NM_001458.5 (MANE Select); coding-DNA position 2483, C replaced by G.
Protein change: p.Thr828Ser; replaces threonine 828 with serine.
Molecular consequence: missense variant.
Genome position (GRCh38, 1-based): chr7:128,842,887, C>G. VCF-style: chr7-128842887-C-G. GRCh37 (hg19) VCF-style: chr7-128482941-C-G.
Other names: c.2483C>G, p.Thr828Ser (NM_001127487.2); short protein forms T828S.
Identifiers: ClinVar variation 4812763 (VCV004812763.2).